The following is an entry in ClinVar:

NM_144773.4(PROKR2):c.691G>A (p.Glu231Lys)

Gene: PROKR2 (prokineticin receptor 2; minus strand). Cytogenetic location: 20p12.3.
Variant type: single nucleotide variant.
Coding change: c.691G>A on transcript NM_144773.4 (MANE Select); coding-DNA position 691, G replaced by A.
Protein change: p.Glu231Lys; replaces glutamic acid 231 with lysine.
Molecular consequence: missense variant.
Genome position (GRCh38, 1-based): chr20:5,302,504, C>T on the plus strand (G>A on the coding strand, the complement: PROKR2 is on the minus strand). VCF-style: chr20-5302504-C-T. GRCh37 (hg19) VCF-style: chr20-5283150-C-T.
Other names: short protein forms E231K.
Identifiers: ClinVar variation 1324963 (VCV001324963.8), dbSNP rs538606142, ClinGen allele CA9754298.

ClinVar aggregate classification (germline): Likely pathogenic. Review status: criteria provided, multiple submitters, no conflicts (2 of 4 stars). 3 submissions from 3 submitters: Likely pathogenic (3). Last evaluated 2024-11-05.

Conditions:
Hypogonadotropic hypogonadism 3 with or without anosmia (HH3). Also called: HYPOGONADOTROPIC HYPOGONADISM 3 WITH ANOSMIA; PROKR2-Related GnRH Deficiency (Kallmann Syndrome 3). Identifiers: Orphanet 478, MedGen C3550478, MONDO:0009482, OMIM 244200.

Allele frequency attached by ClinVar (database versions not stated): TOPMed below 0.00001; gnomAD exomes 0.00001; ExAC 0.00002; 1000 Genomes Project 30x 0.00016; 1000 Genomes Project 0.00020.
gnomAD v4.1: 12 of 1,614,224 alleles (0.00074%); highest among the groups gnomAD compares: South Asian, 0.0044%; no homozygotes.

Submissions (3):

Women's Health and Genetics/Laboratory Corporation of America, LabCorp
Classification: Likely pathogenic for Hypogonadotropic hypogonadism 3 with or without anosmia. Last evaluated: 2024-11-05. Review status: criteria provided, single submitter. Criteria: LabCorp Variant Classification Summary - May 2015. Collection method: clinical testing. Allele origin: germline.
Comment: Variant summary: PROKR2 c.691G>A (p.Glu231Lys) results in a conservative amino acid change located in the in the fifth transmembrane (TM5) domain (Zhao_2019) of the encoded protein sequence. Three of five in-silico tools predict a damaging effect of the variant on protein function. The variant allele was found at a frequency of 8e-06 in 251444 control chromosomes (gnomAD). c.691G>A has been reported in the literature in individuals affected with Kallmann Syndrome 3 (Zhao_2019, Vishnopolska_2021, Wang_2022). These data indicate that the variant may be associated with disease. One of these reports also performed in vitro functional analysis for the variant protein and demonstrated decreased cell surface expression and absent intracellular signaling (Zhao_2019). The following publications have been ascertained in the context of this evaluation (PMID: 30576231, 33729509, 35669683). ClinVar contains an entry for this variant (Variation ID: 1324963). Based on the evidence outlined above, the variant was classified as likely pathogenic.

Labcorp Genetics (formerly Invitae), Labcorp
Classification: Likely pathogenic. Last evaluated: 2023-10-18. Review status: criteria provided, single submitter. Criteria: Invitae Variant Classification Sherloc (09022015). Collection method: clinical testing. Allele origin: germline.
Comment: This sequence change replaces glutamic acid, which is acidic and polar, with lysine, which is basic and polar, at codon 231 of the PROKR2 protein (p.Glu231Lys). This variant is present in population databases (rs538606142, gnomAD 0.006%). This missense change has been observed in individuals with clinical features of autosomal dominant PROKR2-related conditions (PMID: 30576231, 33729509, 35669683). ClinVar contains an entry for this variant (Variation ID: 1324963). Advanced modeling of protein sequence and biophysical properties (such as structural, functional, and spatial information, amino acid conservation, physicochemical variation, residue mobility, and thermodynamic stability) has been performed at Invitae for this missense variant, however the output from this modeling did not meet the statistical confidence thresholds required to predict the impact of this variant on PROKR2 protein function. Experimental studies have shown that this missense change affects PROKR2 function (PMID: 30576231). In summary, the currently available evidence indicates that the variant is pathogenic, but additional data are needed to prove that conclusively. Therefore, this variant has been classified as Likely Pathogenic.

Revvity Omics, Revvity
Classification: Likely pathogenic for Hypogonadotropic hypogonadism 3 with or without anosmia. Last evaluated: 2021-08-03. Review status: criteria provided, single submitter. Criteria: ACMG Guidelines, 2015. Collection method: clinical testing. Allele origin: germline.

Literature cited by the submitters: PubMed 33729509 (cited by Women's Health and Genetics/Laboratory Corporation of America, LabCorp and Labcorp Genetics (formerly Invitae), Labcorp); PubMed 30576231 (cited by Women's Health and Genetics/Laboratory Corporation of America, LabCorp and Labcorp Genetics (formerly Invitae), Labcorp); PubMed 35669683 (cited by Women's Health and Genetics/Laboratory Corporation of America, LabCorp and Labcorp Genetics (formerly Invitae), Labcorp).